The following is an entry in ClinVar:

ClinVar aggregate classification (germline): Uncertain significance (1 of 4 stars; one submission).

Conditions:
Cardiomyopathy (CMYO). Also called: Cardiomyopathies. Identifiers: Orphanet 167848, MedGen C0878544, MONDO:0004994, HP:0001638. Inheritance: Various modes of inheritance.

Submission:

Color Diagnostics, LLC DBA Color Health
Classification: Uncertain significance for Cardiomyopathy. Last evaluated: 2025-09-11. Review status: criteria provided, single submitter. Criteria: ACMG Guidelines, 2015. Collection method: clinical testing. Allele origin: germline.
Comment: This variant causes a G to T nucleotide substitution at the +5 position of intron 35 of the MYH7 gene. To our knowledge, functional studies have not been reported for this variant. This variant has not been reported in individuals affected with MYH7-related disorders in the literature. This variant has not been identified in the general population by the Genome Aggregation Database (gnomAD). The available evidence is insufficient to determine the role of this variant in disease conclusively. Therefore, this variant is classified as a Variant of Uncertain Significance.

NM_000257.4(MYH7):c.5157+5G>T

Genes: MHRT (myosin heavy chain associated RNA transcript; plus strand), MYH7 (myosin heavy chain 7; minus strand), LOC126861897 (BRD4-independent group 4 enhancer GRCh37_chr14:23884455-23885654; plus strand). Cytogenetic location: 14q11.2.
Variant type: single nucleotide variant.
Coding change: c.5157+5G>T on transcript NM_000257.4 (MANE Select); 5 bases into the intron after coding-DNA position 5157, G replaced by T.
Molecular consequence: intron variant. On other transcripts: non-coding transcript variant (1).
Genome position (GRCh38, 1-based): chr14:23,415,624, C>A on the plus strand (G>T on the coding strand, the complement: MYH7 is on the minus strand). VCF-style: chr14-23415624-C-A. GRCh37 (hg19) VCF-style: chr14-23884833-C-A.
Other names: c.5157+5G>T (NM_001407004.1).
Identifiers: ClinVar variation 4758028 (VCV004758028.1).